The following is an entry in ClinVar:

ClinVar aggregate classification (germline): Uncertain significance. Review status: criteria provided, multiple submitters, no conflicts (2 of 4 stars). 2 submissions from 2 submitters: Uncertain significance (2). Last evaluated 2025-11-06.

Conditions:
Familial sleep-related hypermotor epilepsy. Also called: Autosomal Dominant Sleep-Related Hypermotor (Hyperkinetic) Epilepsy. Identifiers: Orphanet 98784, MedGen C3696898, MONDO:0000030.

Submissions (2):

Labcorp Genetics (formerly Invitae), Labcorp
Classification: Uncertain significance. Last evaluated: 2025-11-06. Review status: criteria provided, single submitter. Criteria: Invitae Variant Classification Sherloc (09022015). Collection method: clinical testing. Allele origin: germline.
Comment: This sequence change replaces asparagine, which is neutral and polar, with serine, which is neutral and polar, at codon 57 of the CHRNA4 protein (p.Asn57Ser). This variant is not present in population databases (gnomAD no frequency). This variant has not been reported in the literature in individuals affected with CHRNA4-related conditions. ClinVar contains an entry for this variant (Variation ID: 1675866). Invitae Evidence Modeling of protein sequence and biophysical properties (such as structural, functional, and spatial information, amino acid conservation, physicochemical variation, residue mobility, and thermodynamic stability) indicates that this missense variant is not expected to disrupt CHRNA4 protein function with a negative predictive value of 80%. In summary, the available evidence is currently insufficient to determine the role of this variant in disease. Therefore, it has been classified as a Variant of Uncertain Significance.

CeGaT Center for Human Genetics Tuebingen
Classification: Uncertain significance. Last evaluated: 2022-02-01. Review status: criteria provided, single submitter. Criteria: CeGaT Center For Human Genetics Tuebingen Variant Classification Criteria Version 2. Collection method: clinical testing. Allele origin: germline. Affected: yes. Observed: 1 variant allele.

NM_000744.7(CHRNA4):c.170A>G (p.Asn57Ser)

Gene: CHRNA4 (cholinergic receptor nicotinic alpha 4 subunit; minus strand). Cytogenetic location: 20q13.33.
Variant type: single nucleotide variant.
Coding change: c.170A>G on transcript NM_000744.7 (MANE Select); coding-DNA position 170, A replaced by G.
Protein change: p.Asn57Ser; replaces asparagine 57 with serine.
Molecular consequence: missense variant. On other transcripts: 5 prime UTR variant (1), non-coding transcript variant (1).
Genome position (GRCh38, 1-based): chr20:63,359,606, T>C on the plus strand (A>G on the coding strand, the complement: CHRNA4 is on the minus strand). VCF-style: chr20-63359606-T-C. GRCh37 (hg19) VCF-style: chr20-61990958-T-C.
Other names: c.-377A>G (NM_001256573.2); short protein forms N57S.
Identifiers: ClinVar variation 1675866 (VCV001675866.34), dbSNP rs2145408343, ClinGen allele CA409643444.